The following is an entry in ClinVar:

ClinVar aggregate classification (germline): Benign/Likely benign. Review status: criteria provided, multiple submitters, no conflicts (2 of 4 stars). 4 submissions from 4 submitters: Benign (2); Likely benign (1). 1 of the submissions does not count toward it. Last evaluated 2026-01-24.

Conditions:
Hyperaldosteronism, familial, type IV (HALD4). Also called: FH IV; ALDOSTERONISM, PRIMARY, AND HYPERTENSION. Identifiers: Orphanet 642671, MedGen C4310756, MONDO:0014875, OMIM 617027.
Idiopathic generalized epilepsy. Also called: EIG; Generalised epilepsy. Identifiers: MedGen C0270850, MONDO:0005579, OMIM 600669.
CACNA1H-related disorder.
Epilepsy, childhood absence, susceptibility to, 6. Identifiers: Orphanet 64280, MedGen C2749872, MONDO:0012763, OMIM 611942.

Allele frequency attached by ClinVar (database versions not stated): gnomAD 0.00010; TOPMed 0.00023; gnomAD exomes 0.00043; ExAC 0.00074.
gnomAD v4.1: 130 of 1,598,972 alleles (0.0081%); highest among the groups gnomAD compares: Admixed American, 0.2%; no homozygotes.

Submissions (4):

Labcorp Genetics (formerly Invitae), Labcorp
Classification: Benign for Idiopathic generalized epilepsy; Hyperaldosteronism, familial, type IV. Last evaluated: 2026-01-24. Review status: criteria provided, single submitter. Criteria: Invitae Variant Classification Sherloc (09022015). Collection method: clinical testing. Allele origin: germline.

Fulgent Genetics
Classification: Likely benign for Epilepsy, childhood absence, susceptibility to, 6; Hyperaldosteronism, familial, type IV. Last evaluated: 2021-10-06. Review status: criteria provided, single submitter. Criteria: ACMG Guidelines, 2015. Collection method: clinical testing. Allele origin: unknown.

Athena Diagnostics
Classification: Benign. Last evaluated: 2017-11-03. Review status: criteria provided, single submitter. Criteria: Athena Diagnostics Criteria. Collection method: clinical testing. Allele origin: germline.

PreventionGenetics, part of Exact Sciences
Classification: Likely benign for CACNA1H-related condition. Last evaluated: 2020-06-25. Review status: no assertion criteria provided. Collection method: clinical testing. Allele origin: germline. Not counted in ClinVar's aggregate classification.
Comment: This variant is classified as likely benign based on ACMG/AMP sequence variant interpretation guidelines (Richards et al. 2015 PMID: 25741868, with internal and published modifications).

NM_021098.3(CACNA1H):c.4836G>A (p.Ser1612=)

Gene: CACNA1H (calcium voltage-gated channel subunit alpha1 H; plus strand). Cytogenetic location: 16p13.3.
Variant type: single nucleotide variant.
Coding change: c.4836G>A on transcript NM_021098.3 (MANE Select); coding-DNA position 4836, G replaced by A.
Protein change: p.Ser1612=; no amino-acid change (serine 1612 retained).
Molecular consequence: synonymous variant.
Genome position (GRCh38, 1-based): chr16:1,213,838, G>A. VCF-style: chr16-1213838-G-A. GRCh37 (hg19) VCF-style: chr16-1263838-G-A.
Other names: c.4818G>A, p.Ser1606= (NM_001005407.2).
Identifiers: ClinVar variation 460128 (VCV000460128.14), dbSNP rs58033848, ClinGen allele CA7801639.
Genomic context (GRCh38, chr16:1,213,838, plus strand): 5'-AGAGGCCCAGCGCCGGCCCTACTATGCCGACTACTCGCCCACGCGCCGCTCCATTCACTC[G>A]CTGTGCACCAGCCACTATCTCGACCTCTTCATCACCTTCATCATCTGTGTCAACGTCATC-3'
Protein context (NP_066921.2, residues 1602-1622): DYSPTRRSIH[Ser1612=]LCTSHYLDLF